The following is an entry in ClinVar:

NM_144508.5(KNL1):c.5538A>G (p.Glu1846=)

Gene: KNL1 (kinetochore scaffold 1; plus strand). Cytogenetic location: 15q15.1.
Variant type: single nucleotide variant.
Coding change: c.5538A>G on transcript NM_144508.5 (MANE Select); coding-DNA position 5538, A replaced by G.
Protein change: p.Glu1846=; no amino-acid change (glutamic acid 1846 retained).
Molecular consequence: synonymous variant.
Genome position (GRCh38, 1-based): chr15:40,628,633, A>G. VCF-style: chr15-40628633-A-G. GRCh37 (hg19) VCF-style: chr15-40920831-A-G.
Other names: c.5616A>G, p.Glu1872= (NM_170589.5).
Identifiers: ClinVar variation 315869 (VCV000315869.31), dbSNP rs180678267, ClinGen allele CA7483412.

ClinVar aggregate classification (germline): Conflicting classifications of pathogenicity. Review status: criteria provided, conflicting classifications (1 of 4 stars). 3 submissions from 3 submitters: Uncertain significance (1); Likely benign (2). Last evaluated 2026-04-01.

Conditions:
Microcephaly 4, primary, autosomal recessive. Identifiers: Orphanet 2512, MedGen C1858516, MONDO:0011437, OMIM 604321.

Allele frequency attached by ClinVar (database versions not stated): ESP Exome Variant Server 0.00025; TOPMed 0.00037; gnomAD 0.00040 and 0.00046; gnomAD exomes 0.00055 and 0.00063; 1000 Genomes Project 0.00060; 1000 Genomes Project 30x 0.00062; ExAC 0.00062.
gnomAD v4.1: 976 of 1,603,784 alleles (0.061%); highest among the groups gnomAD compares: Middle Eastern, 0.27%; 2 homozygotes.

Submissions (3):

CeGaT Center for Human Genetics Tuebingen
Classification: Likely benign. Last evaluated: 2026-04-01. Review status: criteria provided, single submitter. Criteria: CeGaT Center For Human Genetics Tuebingen Variant Classification Criteria Version 2. Collection method: clinical testing. Allele origin: germline. Affected: yes. Observed: 3 variant alleles.
Comment: KNL1: BP4

Labcorp Genetics (formerly Invitae), Labcorp
Classification: Likely benign. Last evaluated: 2019-12-31. Review status: criteria provided, single submitter. Criteria: Invitae Variant Classification Sherloc (09022015). Collection method: clinical testing. Allele origin: germline.

Illumina Laboratory Services, Illumina
Classification: Uncertain significance for Microcephaly 4, primary, autosomal recessive. Last evaluated: 2018-01-13. Review status: criteria provided, single submitter. Criteria: ICSL Variant Classification Criteria 13 December 2019. Collection method: clinical testing. Allele origin: germline.